The following is an entry in ClinVar:

ClinVar aggregate classification (germline): Uncertain significance (1 of 4 stars; one submission).

Conditions:
Neurodevelopmental disorder. Identifiers: MedGen C1535926, MeSH D065886, MONDO:0700092.

Submission:

Victorian Clinical Genetics Services, Murdoch Childrens Research Institute
Classification: Uncertain significance for Neurodevelopmental disorder. Last evaluated: 2024-10-10. Review status: criteria provided, single submitter. Criteria: ACMG Guidelines, 2015. Collection method: clinical testing. Allele origin: germline. Inheritance: Autosomal dominant inheritance. Affected: yes.
Comment: Based on the classification scheme VCGS_Germline_v1.3.5, this variant is classified as VUS-3C. Following criteria are met: 0105 - The mechanism of disease for this gene is not clearly established. (I) 0107 - This gene is associated with autosomal dominant disease. (I) 0200 - Variant is predicted to result in a missense amino acid change from isoleucine to valine. (I) 0251 - This variant is heterozygous. (I) 0301 - Variant is absent from gnomAD (v2, v3 and v4). (SP) 0503 - Missense variant consistently predicted to be tolerated by multiple in silico tools or not conserved in placental mammals with a minor amino acid change. (SB) 0604 - Variant is not located in an established domain, motif, hotspot or informative constraint region. (I) 0705 - No comparable missense variants have previous evidence for pathogenicity. (I) 0807 - This variant has no previous evidence of pathogenicity. (I) 0905 - No published segregation evidence has been identified for this variant. (I) 1007 - No published functional evidence has been identified for this variant. (I) 1208 - Inheritance information for this variant is not currently available in this individual. (I) Legend: (SP) - Supporting pathogenic, (I) - Information, (SB) - Supporting benign

Literature cited by the submitters: PubMed 36336956.

NM_020177.3(FEM1C):c.973A>G (p.Ile325Val)

Gene: FEM1C (fem-1 homolog C; minus strand). Cytogenetic location: 5q22.3.
Variant type: single nucleotide variant.
Coding change: c.973A>G on transcript NM_020177.3 (MANE Select); coding-DNA position 973, A replaced by G.
Protein change: p.Ile325Val; replaces isoleucine 325 with valine.
Molecular consequence: missense variant.
Genome position (GRCh38, 1-based): chr5:115,525,189, T>C on the plus strand (A>G on the coding strand, the complement: FEM1C is on the minus strand). VCF-style: chr5-115525189-T-C. GRCh37 (hg19) VCF-style: chr5-114860886-T-C.
Other names: short protein forms I325V.
Identifiers: ClinVar variation 3377114 (VCV003377114.1).
Genomic context (GRCh38, chr5:115,525,189, plus strand): 5'-CTCTATATCTAATATAGTAAGAGGTATCAGGATGAGAAGGACCAAGAATACGTTCTCTGA[T>C]TAATAGTGCCTGCATTCTCATCTCATCAGGATCAGCAATAAGACCTTCTAGCTCTTCTGC-3'
Protein context (NP_064562.1, residues 315-335): PDEMRMQALL[Ile325Val]RERILGPSHP